The following is an entry in ClinVar:

ClinVar aggregate classification (germline): Uncertain significance. Review status: criteria provided, multiple submitters, no conflicts (2 of 4 stars). 2 submissions from 2 submitters: Uncertain significance (2). Last evaluated 2022-11-17.

Conditions:
ALMS1-related disorder. Also called: ALMS1-related condition.
Alstrom syndrome (ALMS). Identifiers: Orphanet 64, MedGen C0268425, MONDO:0008763, OMIM 203800.

Submissions (2):

PreventionGenetics, part of Exact Sciences
Classification: Uncertain significance for ALMS1-related condition. Last evaluated: 2022-11-17. Review status: criteria provided, single submitter. Criteria: ACMG Guidelines, 2015. Collection method: clinical testing. Allele origin: germline.
Comment: The ALMS1 c.9493G>A variant is predicted to result in the amino acid substitution p.Glu3165Lys. To our knowledge, this variant has not been reported in the literature. This variant is reported in 0.029% of alleles in individuals of African descent in gnomAD. At this time, the clinical significance of this variant is uncertain due to the absence of conclusive functional and genetic evidence.

Labcorp Genetics (formerly Invitae), Labcorp
Classification: Uncertain significance for Alstrom syndrome. Last evaluated: 2020-12-18. Review status: criteria provided, single submitter. Criteria: Invitae Variant Classification Sherloc (09022015). Collection method: clinical testing. Allele origin: germline.
Comment: This sequence change replaces aspartic acid with asparagine at codon 3165 of the ALMS1 protein (p.Asp3165Asn). The aspartic acid residue is moderately conserved and there is a small physicochemical difference between aspartic acid and asparagine. This variant is not present in population databases (ExAC no frequency). This variant has not been reported in the literature in individuals with ALMS1-related conditions. Experimental studies and prediction algorithms are not available or were not evaluated, and the functional significance of this variant is currently unknown. In summary, the available evidence is currently insufficient to determine the role of this variant in disease. Therefore, it has been classified as a Variant of Uncertain Significance.

NM_001378454.1(ALMS1):c.9490G>A (p.Asp3164Asn)

Gene: ALMS1 (ALMS1 centrosome and basal body associated protein; plus strand). Cytogenetic location: 2p13.1.
Variant type: single nucleotide variant.
Coding change: c.9490G>A on transcript NM_001378454.1 (MANE Select); coding-DNA position 9490, G replaced by A.
Protein change: p.Asp3164Asn; replaces aspartic acid 3164 with asparagine.
Molecular consequence: missense variant.
Genome position (GRCh38, 1-based): chr2:73,491,449, G>A. VCF-style: chr2-73491449-G-A. GRCh37 (hg19) VCF-style: chr2-73718576-G-A.
Other names: c.9493G>A, p.Asp3165Asn (NM_015120.4); short protein forms D3164N, D3165N.
Identifiers: ClinVar variation 1450181 (VCV001450181.3), dbSNP rs2103896409, ClinGen allele CA347275351.